The following is an entry in ClinVar:

NM_002241.5(KCNJ10):c.*2040C>G

Gene: KCNJ10 (potassium inwardly rectifying channel subfamily J member 10; minus strand). Cytogenetic location: 1q23.2.
Variant type: single nucleotide variant.
Coding change: c.*2040C>G on transcript NM_002241.5 (MANE Select); 2040 bases downstream of the stop codon, C replaced by G.
Molecular consequence: 3 prime UTR variant.
Genome position (GRCh38, 1-based): chr1:160,039,353, G>C on the plus strand (C>G on the coding strand, the complement: KCNJ10 is on the minus strand). VCF-style: chr1-160039353-G-C. GRCh37 (hg19) VCF-style: chr1-160009143-G-C.
Identifiers: ClinVar variation 293091 (VCV000293091.8), dbSNP rs2486254, ClinGen allele CA10608390.

ClinVar aggregate classification (germline): Benign. Review status: criteria provided, multiple submitters, no conflicts (2 of 4 stars). 4 submissions from 3 submitters: Benign (4). Last evaluated 2021-05-12.

Conditions:
Autosomal recessive nonsyndromic hearing loss 4 (DFNB4). Also called: FOXI1-Related Pendred Syndrome; KCNJ10-Related Pendred Syndrome; DEAFNESS, AUTOSOMAL RECESSIVE 4, WITH ENLARGED VESTIBULAR AQUEDUCT, DIGENIC; NEUROSENSORY NONSYNDROMIC RECESSIVE DEAFNESS 4; Nonsyndromic enlarged vestibular aqueduct (NSEVA); Deafness, autosomal recessive 4, with enlarged vestibular aqueduct. Identifiers: Orphanet 90636, MedGen C3538946, MONDO:0010933, OMIM 600791.
EAST syndrome (SESAMES). Also called: SEIZURES, SENSORINEURAL DEAFNESS, ATAXIA, IMPAIRED INTELLECTUAL DEVELOPMENT, AND ELECTROLYTE IMBALANCE. Identifiers: Orphanet 199343, MedGen C2748572, MONDO:0013005, OMIM 612780.

Allele frequency attached by ClinVar (database versions not stated): gnomAD 0.99734 and 0.99762; TOPMed 0.99746; 1000 Genomes Project 30x 0.99797; 1000 Genomes Project 0.99820; gnomAD exomes 0.99858.
gnomAD v4.1: 151,019 of 151,376 alleles (100%); highest among the groups gnomAD compares: Middle Eastern, 100%; 75,333 homozygotes.

Submissions (4):

GeneDx
Classification: Benign. Last evaluated: 2021-05-12. Review status: criteria provided, single submitter. Criteria: GeneDx Variant Classification Process June 2021. Collection method: clinical testing. Allele origin: germline. Affected: yes.

Illumina Laboratory Services, Illumina
Classification: Benign for EAST syndrome. Last evaluated: 2018-01-12. Review status: criteria provided, single submitter. Criteria: ICSL Variant Classification Criteria 13 December 2019. Collection method: clinical testing. Allele origin: germline.
Comment: This variant was observed in the ICSL laboratory as part of a predisposition screen in an ostensibly healthy population. It had not been previously curated by ICSL or reported in the Human Gene Mutation Database (HGMD: prior to June 1st, 2018), and was therefore a candidate for classification through an automated scoring system. Utilizing variant allele frequency, disease prevalence and penetrance estimates, and inheritance mode, an automated score was calculated to assess if this variant is too frequent to cause the disease. Based on the score and internal cut-off values, a variant classified as benign is not then subjected to further curation. The score for this variant resulted in a classification of benign for this disease.

Illumina Laboratory Services, Illumina
Classification: Benign for Autosomal recessive nonsyndromic hearing loss 4. Last evaluated: 2018-01-12. Review status: criteria provided, single submitter. Criteria: ICSL Variant Classification Criteria 13 December 2019. Collection method: clinical testing. Allele origin: germline.
Comment: the same text as in the submission from Illumina Laboratory Services, Illumina above.

Breakthrough Genomics
Classification: Benign. Review status: criteria provided, single submitter. Criteria: ACMG Guidelines, 2015. Collection method: not provided. Allele origin: germline. Inheritance: Autosomal recessive inheritance. Affected: yes.